The following is an entry in ClinVar:

NM_001367823.1(ARHGEF18):c.2622G>A (p.Ser874=)

Gene: ARHGEF18 (Rho/Rac guanine nucleotide exchange factor 18; plus strand). Cytogenetic location: 19p13.2.
Variant type: single nucleotide variant.
Coding change: c.2622G>A on transcript NM_001367823.1 (MANE Select); coding-DNA position 2622, G replaced by A.
Protein change: p.Ser874=; no amino-acid change (serine 874 retained).
Molecular consequence: synonymous variant.
Genome position (GRCh38, 1-based): chr19:7,462,321, G>A. VCF-style: chr19-7462321-G-A. GRCh37 (hg19) VCF-style: chr19-7527207-G-A.
Other names: c.1896G>A, p.Ser632= (NM_001130955.2); c.1584G>A, p.Ser528= (NM_001367824.1, NM_015318.4); c.2058G>A (NM_001130955.1).
Identifiers: ClinVar variation 1086412 (VCV001086412.13), dbSNP rs149045020, ClinGen allele CA9136916.

ClinVar aggregate classification (germline): Likely benign. Review status: criteria provided, multiple submitters, no conflicts (2 of 4 stars). 3 submissions from 3 submitters: Likely benign (2). 1 of the submissions does not count toward it. Last evaluated 2026-02-02.

Conditions:
ARHGEF18-related disorder. Also called: ARHGEF18-related condition.

Allele frequency attached by ClinVar (database versions not stated): gnomAD 0.00042 and 0.00044; ESP Exome Variant Server 0.00062; ExAC 0.00077.
gnomAD v4.1: 1,013 of 1,595,072 alleles (0.064%); highest among the groups gnomAD compares: Non-Finnish European, 0.081%; no homozygotes.

Submissions (6):

Labcorp Genetics (formerly Invitae), Labcorp
Classification: Likely benign. Last evaluated: 2026-02-02. Review status: criteria provided, single submitter. Criteria: Invitae Variant Classification Sherloc (09022015). Collection method: clinical testing. Allele origin: germline.

Blueprint Genetics
Classification: Likely benign. Last evaluated: 2024-11-27. Review status: criteria provided, single submitter. Criteria: ACMG Guidelines, 2015. Collection method: clinical testing. Allele origin: germline.

PreventionGenetics, part of Exact Sciences
Classification: Likely benign for ARHGEF18-related condition. Last evaluated: 2019-05-28. Review status: no assertion criteria provided. Collection method: clinical testing. Allele origin: germline. Not counted in ClinVar's aggregate classification.
Comment: This variant is classified as likely benign based on ACMG/AMP sequence variant interpretation guidelines (Richards et al. 2015 PMID: 25741868, with internal and published modifications).

Dr. Peter K. Rogan Lab, Western University
No classification provided (evidence only). Condition: Hepatocellular carcinoma. Review status: no classification provided. Collection method: in vitro. Allele origin: not applicable. Functional consequence: retained intron. Not counted in ClinVar's aggregate classification.

Dr. Peter K. Rogan Lab, Western University
No classification provided (evidence only). Condition: Gastric cancer. Review status: no classification provided. Collection method: in vitro. Allele origin: not applicable. Functional consequence: retained intron. Not counted in ClinVar's aggregate classification.

Dr. Peter K. Rogan Lab, Western University
No classification provided (evidence only). Condition: Malignant tumor of esophagus. Review status: no classification provided. Collection method: in vitro. Allele origin: not applicable. Functional consequence: retained intron. Not counted in ClinVar's aggregate classification.